The following is an entry in ClinVar:

ClinVar aggregate classification (germline): Uncertain significance. Review status: criteria provided, multiple submitters, no conflicts (2 of 4 stars). 2 submissions from 2 submitters: Uncertain significance (2). Last evaluated 2025-05-31.

Allele frequency attached by ClinVar (database versions not stated): gnomAD exomes below 0.00001 and 0.00001; TOPMed below 0.00001.
gnomAD v4.1: 8 of 1,604,644 alleles (0.0005%); highest among the groups gnomAD compares: Non-Finnish European, 0.00068%; no homozygotes.

Submissions (2):

Ambry Genetics
Classification: Uncertain significance. Last evaluated: 2025-05-31. Review status: criteria provided, single submitter. Criteria: Ambry Variant Classification Scheme 2023. Collection method: clinical testing. Allele origin: germline.
Comment: The p.L486I variant (also known as c.1456C>A), located in coding exon 10 of the RINT1 gene, results from a C to A substitution at nucleotide position 1456. The leucine at codon 486 is replaced by isoleucine, an amino acid with highly similar properties. This amino acid position is highly conserved in available vertebrate species. In addition, this alteration is predicted to be tolerated by in silico analysis. Since supporting evidence is limited at this time, the clinical significance of this alteration remains unclear.

Labcorp Genetics (formerly Invitae), Labcorp
Classification: Uncertain significance. Last evaluated: 2021-12-04. Review status: criteria provided, single submitter. Criteria: Invitae Variant Classification Sherloc (09022015). Collection method: clinical testing. Allele origin: germline.
Comment: This sequence change replaces leucine, which is neutral and non-polar, with isoleucine, which is neutral and non-polar, at codon 486 of the RINT1 protein (p.Leu486Ile). ClinVar contains an entry for this variant (Variation ID: 647931). This variant has not been reported in the literature in individuals affected with RINT1-related conditions. This variant is present in population databases (no rsID available, gnomAD 0.0009%). In summary, the available evidence is currently insufficient to determine the role of this variant in disease. Therefore, it has been classified as a Variant of Uncertain Significance. Algorithms developed to predict the effect of missense changes on protein structure and function are either unavailable or do not agree on the potential impact of this missense change (SIFT: "Deleterious"; PolyPhen-2: "Probably Damaging"; Align-GVGD: "Class C0").

NM_021930.6(RINT1):c.1456C>A (p.Leu486Ile)

Gene: RINT1 (RAD50 interactor 1; plus strand). Cytogenetic location: 7q22.3.
Variant type: single nucleotide variant.
Coding change: c.1456C>A on transcript NM_021930.6 (MANE Select); coding-DNA position 1456, C replaced by A.
Protein change: p.Leu486Ile; replaces leucine 486 with isoleucine.
Molecular consequence: missense variant. On other transcripts: non-coding transcript variant (1).
Genome position (GRCh38, 1-based): chr7:105,551,692, C>A. VCF-style: chr7-105551692-C-A. GRCh37 (hg19) VCF-style: chr7-105192139-C-A.
Other names: c.1222C>A, p.Leu408Ile (NM_001346599.2); c.433C>A, p.Leu145Ile (NM_001346600.2, NM_001346603.2); c.532C>A, p.Leu178Ile (NM_001346601.2); short protein forms L145I, L408I, L486I, L178I.
Identifiers: ClinVar variation 647931 (VCV000647931.12), dbSNP rs1386234734, ClinGen allele CA368810534.